The following is an entry in ClinVar:

ClinVar aggregate classification (germline): Uncertain significance (1 of 4 stars; one submission).

Allele frequency attached by ClinVar (database versions not stated): gnomAD exomes below 0.00001; gnomAD 0.00001; TOPMed 0.00001.
gnomAD v4.1: 5 of 1,551,454 alleles (0.00032%); highest among the groups gnomAD compares: Admixed American, 0.0078%; no homozygotes.

Submission:

Labcorp Genetics (formerly Invitae), Labcorp
Classification: Uncertain significance. Last evaluated: 2023-10-23. Review status: criteria provided, single submitter. Criteria: Invitae Variant Classification Sherloc (09022015). Collection method: clinical testing. Allele origin: germline.
Comment: This sequence change replaces glutamine, which is neutral and polar, with glutamic acid, which is acidic and polar, at codon 1417 of the NIN protein (p.Gln1417Glu). This variant is present in population databases (no rsID available, gnomAD 0.008%). This variant has not been reported in the literature in individuals affected with NIN-related conditions. Algorithms developed to predict the effect of missense changes on protein structure and function output the following: SIFT: "Not Available"; PolyPhen-2: "Benign"; Align-GVGD: "Not Available". The glutamic acid amino acid residue is found in multiple mammalian species, which suggests that this missense change does not adversely affect protein function. In summary, the available evidence is currently insufficient to determine the role of this variant in disease. Therefore, it has been classified as a Variant of Uncertain Significance.

NM_020921.4(NIN):c.4249C>G (p.Gln1417Glu)

Gene: NIN (ninein; minus strand). Cytogenetic location: 14q22.1.
Variant type: single nucleotide variant.
Coding change: c.4249C>G on transcript NM_020921.4 (MANE Select); coding-DNA position 4249, C replaced by G.
Protein change: p.Gln1417Glu; replaces glutamine 1417 with glutamic acid.
Molecular consequence: missense variant. On other transcripts: intron variant (1).
Genome position (GRCh38, 1-based): chr14:50,756,781, G>C on the plus strand (C>G on the coding strand, the complement: NIN is on the minus strand). VCF-style: chr14-50756781-G-C. GRCh37 (hg19) VCF-style: chr14-51223499-G-C.
Other names: c.4249C>G, p.Gln1417Glu (NM_182944.3, NM_182946.2); c.2400-1914C>G (NM_016350.5); short protein forms Q1417E.
Identifiers: ClinVar variation 2715035 (VCV002715035.3), dbSNP rs1433374641, ClinGen allele CA389693697.